The following is an entry in ClinVar:

ClinVar aggregate classification (germline): Uncertain significance. Review status: criteria provided, multiple submitters, no conflicts (2 of 4 stars). 2 submissions from 2 submitters: Uncertain significance (2). Last evaluated 2024-01-24.

Conditions:
Amyotrophic lateral sclerosis type 4 (ALS4). Also called: AMYOTROPHIC LATERAL SCLEROSIS 4, JUVENILE; NEURONOPATHY, DISTAL HEREDITARY MOTOR, WITH PYRAMIDAL FEATURES. Identifiers: Orphanet 357043, MedGen C1865409, MONDO:0011223, OMIM 602433.
Spinocerebellar ataxia, autosomal recessive, with axonal neuropathy 2 (SCAN2). Also called: ATAXIA-OCULOMOTOR APRAXIA 2; Ataxia with Oculomotor Apraxia Type 2; Ataxia-ocular apraxia-2; Ataxia with Oculomotor Apraxia. Identifiers: Orphanet 64753, MedGen C1853761, MONDO:0018996, OMIM 606002.

Submissions (2):

GeneDx
Classification: Uncertain significance. Last evaluated: 2024-01-24. Review status: criteria provided, single submitter. Criteria: GeneDx Variant Classification Process June 2021. Collection method: clinical testing. Allele origin: germline. Affected: yes.
Comment: Not observed at significant frequency in large population cohorts (gnomAD); In silico analysis supports that this missense variant does not alter protein structure/function; Has not been previously published as pathogenic or benign to our knowledge

Labcorp Genetics (formerly Invitae), Labcorp
Classification: Uncertain significance for Amyotrophic lateral sclerosis type 4; Spinocerebellar ataxia, autosomal recessive, with axonal neuropathy 2. Last evaluated: 2023-11-13. Review status: criteria provided, single submitter. Criteria: Invitae Variant Classification Sherloc (09022015). Collection method: clinical testing. Allele origin: germline.
Comment: This sequence change replaces leucine, which is neutral and non-polar, with valine, which is neutral and non-polar, at codon 2322 of the SETX protein (p.Leu2322Val). This variant is not present in population databases (gnomAD no frequency). This variant has not been reported in the literature in individuals affected with SETX-related conditions. Advanced modeling of protein sequence and biophysical properties (such as structural, functional, and spatial information, amino acid conservation, physicochemical variation, residue mobility, and thermodynamic stability) performed at Invitae indicates that this missense variant is not expected to disrupt SETX protein function with a negative predictive value of 95%. In summary, the available evidence is currently insufficient to determine the role of this variant in disease. Therefore, it has been classified as a Variant of Uncertain Significance.

NM_015046.7(SETX):c.6964C>G (p.Leu2322Val)

Gene: SETX (senataxin; minus strand). Cytogenetic location: 9q34.13.
Variant type: single nucleotide variant.
Coding change: c.6964C>G on transcript NM_015046.7 (MANE Select); coding-DNA position 6964, C replaced by G.
Protein change: p.Leu2322Val; replaces leucine 2322 with valine.
Molecular consequence: missense variant.
Genome position (GRCh38, 1-based): chr9:132,275,392, G>C on the plus strand (C>G on the coding strand, the complement: SETX is on the minus strand). VCF-style: chr9-132275392-G-C. GRCh37 (hg19) VCF-style: chr9-135150779-G-C.
Other names: c.6964C>G, p.Leu2322Val (NM_001351527.2, NM_001351528.2); short protein forms L2322V.
Identifiers: ClinVar variation 2932304 (VCV002932304.4), dbSNP rs2538863119, ClinGen allele CA375329493.